The following is an entry in ClinVar:

ClinVar aggregate classification (germline): Uncertain significance (1 of 4 stars; one submission).

Submission:

Ambry Genetics
Classification: Uncertain significance. Last evaluated: 2026-07-30. Review status: criteria provided, single submitter. Criteria: Ambry Variant Classification Scheme 2023. Collection method: clinical testing. Allele origin: germline.
Comment: The p.T579A variant (also known as c.1735A>G), located in coding exon 1 of the MLH3 gene, results from an A to G substitution at nucleotide position 1735. The threonine at codon 579 is replaced by alanine, an amino acid with similar properties. This amino acid position is conserved. In addition, this alteration is predicted to be tolerated by in silico analysis. Based on the available evidence, the clinical significance of this variant remains unclear.

NM_001040108.2(MLH3):c.1735A>G (p.Thr579Ala)

Gene: MLH3 (mutL homolog 3; minus strand). Cytogenetic location: 14q24.3.
Variant type: single nucleotide variant.
Coding change: c.1735A>G on transcript NM_001040108.2 (MANE Select); coding-DNA position 1735, A replaced by G.
Protein change: p.Thr579Ala; replaces threonine 579 with alanine.
Molecular consequence: missense variant.
Genome position (GRCh38, 1-based): chr14:75,047,921, T>C on the plus strand (A>G on the coding strand, the complement: MLH3 is on the minus strand). VCF-style: chr14-75047921-T-C. GRCh37 (hg19) VCF-style: chr14-75514624-T-C.
Other names: c.1735A>G, p.Thr579Ala (NM_014381.3); short protein forms T579A.
Identifiers: ClinVar variation 5024611 (VCV005024611.1).
Genomic context (GRCh38, chr14:75,047,921, plus strand): 5'-CATAACTAAAAACATTTCTTCTTCCACAATTGCTAGATTCTTTTTTTTTCTCTTTCTCTG[T>C]CTGAGCACTATGTACTCCCCATAATGTTGTTGCAAAAGGCAGAGGCTGGCATCCCACTTC-3'
Protein context (NP_001035197.1, residues 569-589): TTLWGVHSAQ[Thr579Ala]EKEKKKESSN